The following is an entry in ClinVar:

NM_006648.4(WNK2):c.4802A>G (p.Asp1601Gly)

Gene: WNK2 (WNK lysine deficient protein kinase 2; plus strand). Cytogenetic location: 9q22.31.
Variant type: single nucleotide variant.
Coding change: c.4802A>G on transcript NM_006648.4 (MANE Select); coding-DNA position 4802, A replaced by G.
Protein change: p.Asp1601Gly; replaces aspartic acid 1601 with glycine.
Molecular consequence: missense variant.
Genome position (GRCh38, 1-based): chr9:93,289,556, A>G. VCF-style: chr9-93289556-A-G. GRCh37 (hg19) VCF-style: chr9-96051838-A-G.
Other names: c.4913A>G, p.Asp1638Gly (NM_001282394.3); short protein forms D1601G, D1638G.
Identifiers: ClinVar variation 5031835 (VCV005031835.1).
Genomic context (GRCh38, chr9:93,289,556, plus strand): 5'-GAGACTTCACCCTGGAGCCCCTGAGAGGGGACCAGCCCCGCTCAGAGGTCTGCGGGGGGG[A>G]CCTGGCCCTGCCCCCAGTGCCTAAGGAGGCGGTCTCAGGGCGTGTCCAGCTGCCCCAGCC-3'
Protein context (NP_006639.3, residues 1591-1611): DQPRSEVCGG[Asp1601Gly]LALPPVPKEA

ClinVar aggregate classification (germline): Uncertain significance (1 of 4 stars; one submission).

Submission:

Ambry Genetics
Classification: Uncertain significance. Last evaluated: 2026-07-09. Review status: criteria provided, single submitter. Criteria: Ambry Variant Classification Scheme 2023. Collection method: clinical testing. Allele origin: germline.
Comment: The p.D1601G variant (also known as c.4802A>G), located in coding exon 19 of the WNK2 gene, results from an A to G substitution at nucleotide position 4802. The aspartic acid at codon 1601 is replaced by glycine, an amino acid with similar properties. This amino acid position is conserved. In addition, this alteration is predicted to be tolerated by in silico analysis. Based on the available evidence, the clinical significance of this variant remains unclear.